The following is an entry in ClinVar:

ClinVar aggregate classification (germline): Uncertain significance (1 of 4 stars; one submission).

Conditions:
Familial cancer of breast. Also called: BREAST CANCER, FAMILIAL; Hereditary breast cancer; hereditary breast carcinoma. Identifiers: Orphanet 227535, MedGen C0346153, MONDO:0016419, OMIM 114480. Disease mechanism: loss of function.

Submission:

Labcorp Genetics (formerly Invitae), Labcorp
Classification: Uncertain significance for Familial cancer of breast. Last evaluated: 2024-07-03. Review status: criteria provided, single submitter. Criteria: Invitae Variant Classification Sherloc (09022015). Collection method: clinical testing. Allele origin: germline.
Comment: This sequence change replaces threonine, which is neutral and polar, with isoleucine, which is neutral and non-polar, at codon 31 of the PALB2 protein (p.Thr31Ile). This variant is not present in population databases (gnomAD no frequency). This variant has not been reported in the literature in individuals affected with PALB2-related conditions. ClinVar contains an entry for this variant (Variation ID: 567901). An algorithm developed to predict the effect of missense changes on protein structure and function (PolyPhen-2) suggests that this variant is likely to be disruptive. In summary, the available evidence is currently insufficient to determine the role of this variant in disease. Therefore, it has been classified as a Variant of Uncertain Significance.

NM_024675.4(PALB2):c.92C>T (p.Thr31Ile)

Gene: PALB2 (partner and localizer of BRCA2; minus strand). Cytogenetic location: 16p12.2.
Variant type: single nucleotide variant.
Coding change: c.92C>T on transcript NM_024675.4 (MANE Select); coding-DNA position 92, C replaced by T.
Protein change: p.Thr31Ile; replaces threonine 31 with isoleucine.
Molecular consequence: missense variant.
Genome position (GRCh38, 1-based): chr16:23,638,086, G>A on the plus strand (C>T on the coding strand, the complement: PALB2 is on the minus strand). VCF-style: chr16-23638086-G-A. GRCh37 (hg19) VCF-style: chr16-23649407-G-A.
Other names: short protein forms T31I.
Identifiers: ClinVar variation 567901 (VCV000567901.9), dbSNP rs1567224182, ClinGen allele CA395139673.